The following is an entry in ClinVar:

ClinVar aggregate classification (germline): Likely pathogenic. Review status: criteria provided, multiple submitters, no conflicts (2 of 4 stars). 3 submissions from 3 submitters: Likely pathogenic (3). Last evaluated 2026-06-17.

Conditions:
Ellis-van Creveld syndrome (EVC). Also called: MESOECTODERMAL DYSPLASIA; Chondroectodermal dysplasia. Identifiers: Orphanet 289, MedGen C0013903, MONDO:0009162, OMIM 225500.
Curry-Hall syndrome (WAD). Also called: WEYERS ACRODENTAL DYSOSTOSIS. Identifiers: Orphanet 952, MedGen C0457013, MONDO:0008673, OMIM 193530.

Allele frequency attached by ClinVar (database versions not stated): gnomAD exomes below 0.00001.
gnomAD v4.1: 2 of 1,613,992 alleles (0.00012%); no homozygotes.

Submissions (3):

Myriad Genetics, Inc.
Classification: Likely pathogenic for Ellis-van Creveld syndrome. Last evaluated: 2026-06-17. Review status: criteria provided, single submitter. Criteria: Myriad Autosomal Dominant, Autosomal Recessive and X-Linked Classification Criteria (2023). Collection method: clinical testing. Allele origin: unknown.
Comment: NM_147127.4(EVC2):c.1470+2T>C is a variant in a canonical splice site classified as likely pathogenic in the context of EVC2-related Ellis-van Creveld syndrome. c.1470+2T>C has not been observed in cases with relevant disease. Relevant functional assessments of this variant are not available in the literature. c.1470+2T>C has not been observed in referenced population frequency databases. In summary, NM_147127.4(EVC2):c.1470+2T>C is a variant in a canonical splice site in a gene where loss of function is a known mechanism of disease and is predicted to disrupt protein function. Please note: this variant was assessed in the context of healthy population screening.

Labcorp Genetics (formerly Invitae), Labcorp
Classification: Likely pathogenic for Curry-Hall syndrome; Ellis-van Creveld syndrome. Last evaluated: 2023-12-03. Review status: criteria provided, single submitter. Criteria: Invitae Variant Classification Sherloc (09022015). Collection method: clinical testing. Allele origin: germline.
Comment: This sequence change affects a donor splice site in intron 10 of the EVC2 gene. It is expected to disrupt RNA splicing. Variants that disrupt the donor or acceptor splice site typically lead to a loss of protein function (PMID: 16199547), and loss-of-function variants in EVC2 are known to be pathogenic (PMID: 17024374, 19810119, 19876929). This variant is not present in population databases (gnomAD no frequency). This variant has not been reported in the literature in individuals affected with EVC2-related conditions. Algorithms developed to predict the effect of sequence changes on RNA splicing suggest that this variant may disrupt the consensus splice site. In summary, the currently available evidence indicates that the variant is pathogenic, but additional data are needed to prove that conclusively. Therefore, this variant has been classified as Likely Pathogenic.

Juno Genomics, Hangzhou Juno Genomics, Inc
Classification: Likely pathogenic for Ellis-van Creveld syndrome. Review status: criteria provided, single submitter. Criteria: ACMG Guidelines, 2015. Collection method: clinical testing. Allele origin: germline.
Comment: Null variant in a gene where loss of function (LOF) is a known mechanism of disease.;Absent from controls (or at extremely low frequency if recessive) in Genome Aggregation Database.

Literature cited by the submitters: PubMed 16199547 (cited by Labcorp Genetics (formerly Invitae), Labcorp); PubMed 17024374 (cited by Labcorp Genetics (formerly Invitae), Labcorp); PubMed 19810119 (cited by Labcorp Genetics (formerly Invitae), Labcorp); PubMed 19876929 (cited by Labcorp Genetics (formerly Invitae), Labcorp).

NM_147127.5(EVC2):c.1470+2T>C

Genes: EVC2 (EvC ciliary complex subunit 2; minus strand), LOC126806961 (BRD4-independent group 4 enhancer GRCh37_chr4:5641443-5642642; plus strand). Cytogenetic location: 4p16.2.
Variant type: single nucleotide variant.
Coding change: c.1470+2T>C on transcript NM_147127.5 (MANE Select); the canonical splice donor site of the intron after coding-DNA position 1470, T replaced by C.
Molecular consequence: splice donor variant.
Genome position (GRCh38, 1-based): chr4:5,640,512, A>G on the plus strand (T>C on the coding strand, the complement: EVC2 is on the minus strand). VCF-style: chr4-5640512-A-G. GRCh37 (hg19) VCF-style: chr4-5642239-A-G.
Other names: c.1230+2T>C (NM_001166136.2).
Identifiers: ClinVar variation 2942771 (VCV002942771.5), dbSNP rs2475436920, ClinGen allele CA356151119.
Genomic context (GRCh38, chr4:5,640,512, plus strand): 5'-GGATAAATGACAAATCCCTGAGAGAAAGGGAAGTGAACGCCTTCCTTTCAGACCTGTCTT[A>G]CCCTCTCACCAGCACGTTTCAGCAACTCTTCTGCTTCCTCCATTGCCATCATCTCTCTCT-3'